The following is an entry in ClinVar:

ClinVar aggregate classification (germline): Pathogenic (1 of 4 stars; one submission).

Conditions:
Cardiovascular phenotype. Identifiers: MedGen CN230736.

Submission:

Ambry Genetics
Classification: Pathogenic for Cardiovascular phenotype. Last evaluated: 2025-01-09. Review status: criteria provided, single submitter. Criteria: Ambry Variant Classification Scheme 2023. Collection method: clinical testing. Allele origin: germline.
Comment: The c.270_273delACACins15 pathogenic mutation, located in coding exon 2 of the PKP2 gene, results from the deletion of 4 nucleotides and insertion of 15 nucleotides at positions 270 to 273, causing a translational frameshift with a predicted alternate stop codon (p.H91Gfs*4). This variant is considered to be rare based on population cohorts in the Genome Aggregation Database (gnomAD). This alteration is expected to result in loss of function by premature protein truncation or nonsense-mediated mRNA decay. As such, this alteration is interpreted as a disease-causing mutation.

NM_001005242.3(PKP2):c.270_273delinsTGGTTGTAGATGATT (p.His91delinsGlyCysArgTer)

Gene: PKP2 (plakophilin 2; minus strand). Cytogenetic location: 12p11.21.
Variant type: Indel.
Coding change: c.270_273delinsTGGTTGTAGATGATT on transcript NM_001005242.3 (MANE Select); coding-DNA positions 270 to 273, ACAC replaced by TGGTTGTAGATGATT.
Protein change: p.His91delinsGlyCysArgTer.
Molecular consequence: nonsense. On other transcripts: frameshift variant (4).
Genome position (GRCh38, 1-based): chr12:32,878,983-32,878,986, GTGT replaced by AATCATCTACAACCA on the plus strand (ACAC replaced by TGGTTGTAGATGATT on the coding strand, the reverse complement: PKP2 is on the minus strand). VCF-style: chr12-32878983-GTGT-AATCATCTACAACCA. GRCh37 (hg19) VCF-style: chr12-33031917-GTGT-AATCATCTACAACCA.
Other names: c.270_273delACACinsTGGTTGTAGATGATT, p.His91Glyfs (NM_001407155.1, NM_001407156.1, NM_001407157.1 and 1 more transcripts); c.-58_-55delACACinsTGGTTGTAGATGATT (NM_001407158.1, NM_001407159.1, NM_001407160.1 and 1 more transcripts); c.270_273delinsTGGTTGTAGATGATT, p.His91delinsGlyCysArgTer (NM_004572.4).
Identifiers: ClinVar variation 1794920 (VCV001794920.3), dbSNP rs2541344871, ClinGen allele CA2580085433.